The following is an entry in ClinVar:

NM_005902.4(SMAD3):c.1062G>T (p.Gln354His)

Gene: SMAD3 (SMAD family member 3; plus strand). Cytogenetic location: 15q22.33.
Variant type: single nucleotide variant.
Coding change: c.1062G>T on transcript NM_005902.4 (MANE Select); coding-DNA position 1062, G replaced by T.
Protein change: p.Gln354His; replaces glutamine 354 with histidine.
Molecular consequence: missense variant.
Genome position (GRCh38, 1-based): chr15:67,187,417, G>T. VCF-style: chr15-67187417-G-T. GRCh37 (hg19) VCF-style: chr15-67479755-G-T.
Other names: c.747G>T, p.Gln249His (NM_001145102.2); c.930G>T, p.Gln310His (NM_001145103.2); c.477G>T, p.Gln159His (NM_001145104.2); short protein forms Q159H, Q249H, Q310H, Q354H.
Identifiers: ClinVar variation 1005821 (VCV001005821.7), dbSNP rs1567003470, ClinGen allele CA392958167.

ClinVar aggregate classification (germline): Uncertain significance (1 of 4 stars; one submission).

Conditions:
Familial thoracic aortic aneurysm and aortic dissection (TAAD). Also called: Thoracic aortic aneurysms and dissections. Identifiers: Orphanet 91387, MedGen C4707243, MONDO:0019625.

Submission:

Labcorp Genetics (formerly Invitae), Labcorp
Classification: Uncertain significance for Familial thoracic aortic aneurysm and aortic dissection. Last evaluated: 2020-09-15. Review status: criteria provided, single submitter. Criteria: Invitae Variant Classification Sherloc (09022015). Collection method: clinical testing. Allele origin: germline.
Comment: In summary, the available evidence is currently insufficient to determine the role of this variant in disease. Therefore, it has been classified as a Variant of Uncertain Significance. Advanced modeling of protein sequence and biophysical properties (such as structural, functional, and spatial information, amino acid conservation, physicochemical variation, residue mobility, and thermodynamic stability) performed at Invitae indicates that this missense variant is not expected to disrupt SMAD3 protein function. This variant has not been reported in the literature in individuals with SMAD3-related conditions. This variant is not present in population databases (ExAC no frequency). This sequence change replaces glutamine with histidine at codon 354 of the SMAD3 protein (p.Gln354His). The glutamine residue is highly conserved and there is a small physicochemical difference between glutamine and histidine.